The following is an entry in ClinVar:

ClinVar aggregate classification (germline): Uncertain significance (1 of 4 stars; one submission).

Conditions:
Cardiovascular phenotype. Identifiers: MedGen CN230736.

gnomAD v4.1: 9 of 1,614,070 alleles (0.00056%); highest among the groups gnomAD compares: Admixed American, 0.0017%; no homozygotes.

Submission:

Ambry Genetics
Classification: Uncertain significance for Cardiovascular phenotype. Last evaluated: 2025-06-09. Review status: criteria provided, single submitter. Criteria: Ambry Variant Classification Scheme 2023. Collection method: clinical testing. Allele origin: germline.
Comment: The p.G1049R variant (also known as c.3145G>A), located in coding exon 21 of the ABCA1 gene, results from a G to A substitution at nucleotide position 3145. The glycine at codon 1049 is replaced by arginine, an amino acid with dissimilar properties. This amino acid position is conserved. In addition, this alteration is predicted to be deleterious by in silico analysis. Based on the available evidence, the clinical significance of this variant remains unclear.

NM_005502.4(ABCA1):c.3145G>A (p.Gly1049Arg)

Gene: ABCA1 (ATP binding cassette subfamily A member 1; minus strand). Cytogenetic location: 9q31.1.
Variant type: single nucleotide variant.
Coding change: c.3145G>A on transcript NM_005502.4 (MANE Select); coding-DNA position 3145, G replaced by A.
Protein change: p.Gly1049Arg; replaces glycine 1049 with arginine.
Molecular consequence: missense variant.
Genome position (GRCh38, 1-based): chr9:104,819,682, C>T on the plus strand (G>A on the coding strand, the complement: ABCA1 is on the minus strand). VCF-style: chr9-104819682-C-T. GRCh37 (hg19) VCF-style: chr9-107581963-C-T.
Other names: short protein forms G1049R.
Identifiers: ClinVar variation 3936702 (VCV003936702.1).